The following is an entry in ClinVar:

ClinVar aggregate classification (germline): Benign. Review status: criteria provided, multiple submitters, no conflicts (2 of 4 stars). 3 submissions from 3 submitters: Benign (2). 1 of the submissions does not count toward it. Last evaluated 2020-04-30.

Conditions:
SLC5A9-related disorder. Also called: SLC5A9-related condition.

Allele frequency attached by ClinVar (database versions not stated): ESP Exome Variant Server 0.00784; gnomAD exomes 0.01429 and 0.03136; gnomAD 0.01615 and 0.01880; TOPMed 0.01995; ExAC 0.03035; 1000 Genomes Project 30x 0.05153; 1000 Genomes Project 0.05252.
gnomAD v4.1: 24,549 of 1,613,406 alleles (1.5%); highest among the groups gnomAD compares: East Asian, 18%; 1,040 homozygotes.

Submissions (3):

GeneDx
Classification: Benign. Last evaluated: 2020-04-30. Review status: criteria provided, single submitter. Criteria: GeneDx Variant Classification Process June 2021. Collection method: clinical testing. Allele origin: germline. Affected: yes.
Comment: This variant is associated with the following publications: (PMID: 29884787)

Breakthrough Genomics
Classification: Benign. Review status: criteria provided, single submitter. Criteria: ACMG Guidelines, 2015. Collection method: not provided. Allele origin: germline. Inheritance: Unknown mechanism. Affected: yes.

PreventionGenetics, part of Exact Sciences
Classification: Benign for SLC5A9-related condition. Last evaluated: 2019-02-28. Review status: no assertion criteria provided. Collection method: clinical testing. Allele origin: germline. Not counted in ClinVar's aggregate classification.
Comment: This variant is classified as benign based on ACMG/AMP sequence variant interpretation guidelines (Richards et al. 2015 PMID: 25741868, with internal and published modifications).

NM_001011547.3(SLC5A9):c.307G>A (p.Gly103Arg)

Gene: SLC5A9 (solute carrier family 5 member 9; plus strand). Cytogenetic location: 1p33.
Variant type: single nucleotide variant.
Coding change: c.307G>A on transcript NM_001011547.3 (MANE Select); coding-DNA position 307, G replaced by A.
Protein change: p.Gly103Arg; replaces glycine 103 with arginine.
Molecular consequence: missense variant.
Genome position (GRCh38, 1-based): chr1:48,228,922, G>A. VCF-style: chr1-48228922-G-A. GRCh37 (hg19) VCF-style: chr1-48694594-G-A.
Other names: c.307G>A, p.Gly103Arg (NM_001135181.2); c.307G>A (NM_001135181.1); short protein forms G103R.
Identifiers: ClinVar variation 1236890 (VCV001236890.6), dbSNP rs61746559, ClinGen allele CA843464.